The following is an entry in ClinVar:

ClinVar aggregate classification (germline): Uncertain significance. Review status: criteria provided, multiple submitters, no conflicts (2 of 4 stars). 3 submissions from 3 submitters: Uncertain significance (2). 1 of the submissions does not count toward it. Last evaluated 2025-01-22.

Conditions:
Primary ciliary dyskinesia. Also called: Ciliary dyskinesia. Identifiers: Orphanet 244, MedGen C0008780, MONDO:0016575, HP:0012265.

gnomAD v4.1: 5 of 1,613,246 alleles (0.00031%); highest among the groups gnomAD compares: Non-Finnish European, 0.00042%; no homozygotes.

Submissions (3):

Ambry Genetics
Classification: Uncertain significance for Primary ciliary dyskinesia. Last evaluated: 2025-01-22. Review status: criteria provided, single submitter. Criteria: Ambry Variant Classification Scheme 2023. Collection method: clinical testing. Allele origin: germline.

Labcorp Genetics (formerly Invitae), Labcorp
Classification: Uncertain significance for Primary ciliary dyskinesia. Last evaluated: 2021-08-30. Review status: criteria provided, single submitter. Criteria: Invitae Variant Classification Sherloc (09022015). Collection method: clinical testing. Allele origin: germline.
Comment: This sequence change replaces threonine with arginine at codon 3821 of the DNAH5 protein (p.Thr3821Arg). The threonine residue is highly conserved and there is a moderate physicochemical difference between threonine and arginine. This variant is not present in population databases (ExAC no frequency). This variant has not been reported in the literature in individuals affected with DNAH5-related conditions. Algorithms developed to predict the effect of missense changes on protein structure and function are either unavailable or do not agree on the potential impact of this missense change (SIFT: "Tolerated"; PolyPhen-2: "Possibly Damaging"; Align-GVGD: "Class C0"). In summary, the available evidence is currently insufficient to determine the role of this variant in disease. Therefore, it has been classified as a Variant of Uncertain Significance.

Natera, Inc.
Classification: Uncertain significance for Primary ciliary dyskinesia. Last evaluated: 2025-01-21. Review status: no assertion criteria provided. Collection method: clinical testing. Allele origin: germline. Not counted in ClinVar's aggregate classification.

NM_001369.3(DNAH5):c.11462C>G (p.Thr3821Arg)

Gene: DNAH5 (dynein axonemal heavy chain 5; minus strand). Cytogenetic location: 5p15.2.
Variant type: single nucleotide variant.
Coding change: c.11462C>G on transcript NM_001369.3 (MANE Select); coding-DNA position 11462, C replaced by G.
Protein change: p.Thr3821Arg; replaces threonine 3821 with arginine.
Molecular consequence: missense variant.
Genome position (GRCh38, 1-based): chr5:13,735,926, G>C on the plus strand (C>G on the coding strand, the complement: DNAH5 is on the minus strand). VCF-style: chr5-13735926-G-C. GRCh37 (hg19) VCF-style: chr5-13736035-G-C.
Other names: short protein forms T3821R.
Identifiers: ClinVar variation 644734 (VCV000644734.10), dbSNP rs374858945, ClinGen allele CA359225309.